The following is an entry in ClinVar:

NM_000070.3(CAPN3):c.1537-48T>C

Gene: CAPN3 (calpain 3; plus strand). Cytogenetic location: 15q15.1.
Variant type: single nucleotide variant.
Coding change: c.1537-48T>C on transcript NM_000070.3 (MANE Select); 48 bases into the intron before coding-DNA position 1537, T replaced by C.
Molecular consequence: intron variant.
Genome position (GRCh38, 1-based): chr15:42,402,746, T>C. VCF-style: chr15-42402746-T-C. GRCh37 (hg19) VCF-style: chr15-42694944-T-C.
Other names: c.1537-48T>C (NM_024344.2); c.1393-48T>C (NM_173087.2); c.1-48T>C (NM_173088.2).
Identifiers: ClinVar variation 92406 (VCV000092406.9), dbSNP rs2241827, ClinGen allele CA145717.

ClinVar aggregate classification (germline): Benign. Review status: reviewed by expert panel (3 of 4 stars). 7 submissions from 6 submitters: Benign (1). 6 of the submissions do not count toward it. Last evaluated 2025-03-14.

Conditions:
Muscular dystrophy, limb-girdle, autosomal dominant 4. Also called: Calpain-3-related limb-girdle muscular dystrophy D4; MUSCULAR DYSTROPHY, LIMB-GIRDLE, TYPE 1I. Identifiers: Orphanet 565909, MedGen C4748295, MONDO:0029133, OMIM 618129.
Autosomal recessive limb-girdle muscular dystrophy. Identifiers: Orphanet 102015, MedGen C2931907, MONDO:0015152.
Autosomal recessive limb-girdle muscular dystrophy type 2A (LGMDR1). Also called: Muscular dystrophy, limb-girdle, type 2A, Amish; Limb-girdle muscular dystrophy, type 2A; Calpainopathy; LEYDEN-MOEBIUS MUSCULAR DYSTROPHY; MUSCULAR DYSTROPHY, PELVOFEMORAL. Identifiers: Orphanet 267, MedGen C1869123, MONDO:0009675, OMIM 253600. Disease mechanism: loss of function.

Allele frequency attached by ClinVar (database versions not stated): gnomAD exomes 0.68225 and 0.69590; ExAC 0.69279; 1000 Genomes Project 0.71945; 1000 Genomes Project 30x 0.72923; gnomAD 0.75536 and 0.76381; TOPMed 0.76613; ESP Exome Variant Server 0.78068.
gnomAD v4.1: 1,121,168 of 1,596,904 alleles (70%); highest among the groups gnomAD compares: African/African-American, 94%; 398,332 homozygotes.

Submissions (7):

ClinGen Limb Girdle Muscular Dystrophy Variant Curation Expert Panel, ClinGen
Classification: Benign for Autosomal recessive limb-girdle muscular dystrophy. Last evaluated: 2025-03-14. Review status: reviewed by expert panel. Criteria: ClinGen LGMD VCEP ACMG Specifications CAPN3 V1.0.0. Collection method: curation. Allele origin: germline. Inheritance: Autosomal recessive inheritance.
Comment: The NM_000070.3: c.1537-48T>C variant in CAPN3 is an intronic variant. The filtering allele frequency for this variant is 0.9344 in gnomAD v4.1.0 (the lower threshold of the 95% CI of 31266/33150 African/African American exome chromosomes), which is greater than the ClinGen LGMD VCEP threshold ≥0.003 for BA1 (BA1). The SpliceAI prediction of 0.00 indicates no splicing impact and does not exceed the LGMD VCEP threshold of ≤0.05 (BP4). This variant is also not in a splice region (BP7). In summary, this variant meets the criteria to be classified as Benign for autosomal recessive limb girdle muscular dystrophy based on the ACMG/AMP criteria applied, as specified by the ClinGen LGMD VCEP (LGMD VCEP specifications version 1.0.0; 03/14/2025): BA1, BP4, BP7.

Genome-Nilou Lab
Classification: Benign for Muscular dystrophy, limb-girdle, autosomal dominant 4. Last evaluated: 2021-06-10. Review status: criteria provided, single submitter. Criteria: ACMG Guidelines, 2015. Collection method: clinical testing. Allele origin: germline. Affected: no. Not counted in ClinVar's aggregate classification.

Genome-Nilou Lab
Classification: Benign for Autosomal recessive limb-girdle muscular dystrophy type 2A. Last evaluated: 2021-06-10. Review status: criteria provided, single submitter. Criteria: ACMG Guidelines, 2015. Collection method: clinical testing. Allele origin: germline. Affected: no. Not counted in ClinVar's aggregate classification.

GeneDx
Classification: Benign. Last evaluated: 2018-06-14. Review status: criteria provided, single submitter. Criteria: GeneDx Variant Classification (06012015). Collection method: clinical testing. Allele origin: germline. Affected: yes. Not counted in ClinVar's aggregate classification.
Comment: This variant is considered likely benign or benign based on one or more of the following criteria: it is a conservative change, it occurs at a poorly conserved position in the protein, it is predicted to be benign by multiple in silico algorithms, and/or has population frequency not consistent with disease.

Eurofins Ntd Llc (ga)
Classification: Benign. Last evaluated: 2012-08-24. Review status: criteria provided, single submitter. Criteria: EGL Classification Definitions 2015. Collection method: clinical testing. Allele origin: germline. Observed: 30 variant alleles, 6 heterozygotes, 24 homozygotes. Not counted in ClinVar's aggregate classification.

Breakthrough Genomics
Classification: Benign. Review status: criteria provided, single submitter. Criteria: ACMG Guidelines, 2015. Collection method: not provided. Allele origin: germline. Inheritance: Autosomal recessive inheritance. Affected: yes. Not counted in ClinVar's aggregate classification.

PreventionGenetics, part of Exact Sciences
Classification: Benign. Review status: criteria provided, single submitter. Criteria: ACMG Guidelines, 2015. Collection method: clinical testing. Allele origin: germline. Not counted in ClinVar's aggregate classification.